The following is an entry in ClinVar:

NM_004304.5(ALK):c.482C>G (p.Ala161Gly)

Gene: ALK (ALK receptor tyrosine kinase; minus strand). Cytogenetic location: 2p23.1.
Variant type: single nucleotide variant.
Coding change: c.482C>G on transcript NM_004304.5 (MANE Select); coding-DNA position 482, C replaced by G.
Protein change: p.Ala161Gly; replaces alanine 161 with glycine.
Molecular consequence: missense variant.
Genome position (GRCh38, 1-based): chr2:29,920,178, G>C on the plus strand (C>G on the coding strand, the complement: ALK is on the minus strand). VCF-style: chr2-29920178-G-C. GRCh37 (hg19) VCF-style: chr2-30143044-G-C.
Other names: short protein forms A161G.
Identifiers: ClinVar variation 3855416 (VCV003855416.1).
Genomic context (GRCh38, chr2:29,920,178, plus strand): 5'-CCTTGGCGAATCCACCAACTGAACAGCTCGCTGAGATTGAACTGGAGCAGCCCCACAGCC[G>C]CCTCCCCGGGGGGCCCGACGCAACCCTCCAAGATCGCCTCCTCGCCCAGCTCCAGCACCA-3'
Protein context (NP_004295.2, residues 151-171): LEGCVGPPGE[Ala161Gly]AVGLLQFNLS

ClinVar aggregate classification (germline): Uncertain significance (1 of 4 stars; one submission).

Conditions:
Hereditary cancer-predisposing syndrome. Also called: Hereditary neoplastic syndrome; Neoplastic Syndromes, Hereditary; Tumor predisposition; Hereditary Cancer Syndrome. Identifiers: Orphanet 140162, MedGen C0027672, MeSH D009386, MONDO:0015356.

Submission:

Ambry Genetics
Classification: Uncertain significance for Hereditary cancer-predisposing syndrome. Last evaluated: 2025-01-17. Review status: criteria provided, single submitter. Criteria: Ambry Variant Classification Scheme 2023. Collection method: clinical testing. Allele origin: germline.
Comment: The p.A161G variant (also known as c.482C>G), located in coding exon 1 of the ALK gene, results from a C to G substitution at nucleotide position 482. The alanine at codon 161 is replaced by glycine, an amino acid with similar properties. This amino acid position is conserved. In addition, this alteration is predicted to be tolerated by in silico analysis. Based on the available evidence, the clinical significance of this variant remains unclear.